The following is an entry in ClinVar:

ClinVar aggregate classification (germline): Benign (1 of 4 stars; one submission).

Conditions:
Lynch syndrome 4 (LYNCH4). Also called: Colorectal cancer, hereditary nonpolyposis, type 4; Hereditary non-polyposis colorectal cancer, type 4. Identifiers: Orphanet 144, MedGen C1838333, MONDO:0013699, OMIM 614337. Disease mechanism: loss of function.

gnomAD v4.1: 12 of 1,187,924 alleles (0.001%); highest among the groups gnomAD compares: Non-Finnish European, 0.00025%; 1 homozygote.

Submission:

Myriad Genetics, Inc.
Classification: Benign for Lynch syndrome 4. Last evaluated: 2025-01-28. Review status: criteria provided, single submitter. Criteria: Myriad Autosomal Dominant, Autosomal Recessive and X-Linked Classification Criteria (2023). Collection method: clinical testing. Allele origin: unknown.
Comment: This variant is considered benign. This variant is intronic and is not expected to impact mRNA splicing.

NM_000535.7(PMS2):c.804-52T>C

Gene: PMS2 (PMS1 homolog 2, mismatch repair system component; minus strand). Cytogenetic location: 7p22.1.
Variant type: single nucleotide variant.
Coding change: c.804-52T>C on transcript NM_000535.7 (MANE Select); 52 bases into the intron before coding-DNA position 804, T replaced by C.
Molecular consequence: intron variant.
Genome position (GRCh38, 1-based): chr7:5,995,685, A>G on the plus strand (T>C on the coding strand, the complement: PMS2 is on the minus strand). VCF-style: chr7-5995685-A-G. GRCh37 (hg19) VCF-style: chr7-6035316-A-G.
Other names: c.486-52T>C (NM_001322008.2, NM_001406902.1, NM_001406883.1 and 4 more transcripts); c.495-52T>C (NM_001406881.1, NM_001406879.1, NM_001322015.2 and 6 more transcripts); c.399-52T>C (NM_001406895.1, NM_001322010.2, NM_001322004.2 and 19 more transcripts); c.133-3628T>C (NM_001406911.1); c.291-52T>C (NM_001406904.1, NM_001406905.1); c.231-52T>C (NM_001322013.2, NM_001406909.1); c.-130-52T>C (NM_001322012.2, NM_001322011.2); c.468-52T>C (NM_001406885.1); and 8 more.
Identifiers: ClinVar variation 3903705 (VCV003903705.1).
Genomic context (GRCh38, chr7:5,995,685, plus strand): 5'-CCTGAGATGCTATTCAACATTAATATGGTAAGGGCAGGATTCCAGAGTGAAAGGGATTAG[A>G]AATACGATCACATGGCACATTCTTAAAGTGAAATGAAAACAAAACACCAGGTGACATGCT-3'